The following is an entry in ClinVar:

ClinVar aggregate classification (germline): Conflicting classifications of pathogenicity. Review status: criteria provided, conflicting classifications (1 of 4 stars). 2 submissions from 2 submitters: Pathogenic (1); Uncertain significance (1). Last evaluated 2023-02-18.

Submissions (2):

Uskudar University, Department of Molecular Biology and Genetics, Uskudar University
Classification: Pathogenic. Last evaluated: 2023-02-18. Review status: criteria provided, single submitter. Criteria: ACMG Guidelines, 2015. Collection method: research. Allele origin: germline. Affected: yes.

GeneDx
Classification: Uncertain significance. Last evaluated: 2022-01-17. Review status: criteria provided, single submitter. Criteria: GeneDx Variant Classification Process June 2021. Collection method: clinical testing. Allele origin: germline. Affected: yes.
Comment: Not observed at significant frequency in large population cohorts (gnomAD); In silico analysis supports that this missense variant has a deleterious effect on protein structure/function; Has not been previously published as pathogenic or benign to our knowledge

Literature cited by the submitters: PubMed 37809401 (cited by Uskudar University, Department of Molecular Biology and Genetics, Uskudar University).

NM_001127644.2(GABRA1):c.454G>A (p.Gly152Ser)

Gene: GABRA1 (gamma-aminobutyric acid type A receptor subunit alpha1; plus strand). Cytogenetic location: 5q34.
Variant type: single nucleotide variant.
Coding change: c.454G>A on transcript NM_001127644.2 (MANE Select); coding-DNA position 454, G replaced by A.
Protein change: p.Gly152Ser; replaces glycine 152 with serine.
Molecular consequence: missense variant.
Genome position (GRCh38, 1-based): chr5:161,873,315, G>A. VCF-style: chr5-161873315-G-A. GRCh37 (hg19) VCF-style: chr5-161300321-G-A.
Other names: c.454G>A, p.Gly152Ser (NM_000806.5, NM_001127643.2, NM_001127645.2 and 1 more transcripts); short protein forms G152S.
Identifiers: ClinVar variation 1338962 (VCV001338962.3), dbSNP rs2113381632, ClinGen allele CA362179117.